The following is an entry in ClinVar:

ClinVar aggregate classification (germline): Uncertain significance (1 of 4 stars; one submission).

gnomAD v4.1: 1 of 1,613,164 alleles (0.000062%); highest among the groups gnomAD compares: South Asian, 0.0011%; no homozygotes.

Submission:

Labcorp Genetics (formerly Invitae), Labcorp
Classification: Uncertain significance. Last evaluated: 2025-09-16. Review status: criteria provided, single submitter. Criteria: Invitae Variant Classification Sherloc (09022015). Collection method: clinical testing. Allele origin: germline.
Comment: This sequence change replaces threonine, which is neutral and polar, with methionine, which is neutral and non-polar, at codon 467 of the CUL3 protein (p.Thr467Met). This variant is present in population databases (rs753045999, gnomAD 0.003%). This variant has not been reported in the literature in individuals affected with CUL3-related conditions. Invitae Evidence Modeling of protein sequence and biophysical properties (such as structural, functional, and spatial information, amino acid conservation, physicochemical variation, residue mobility, and thermodynamic stability) indicates that this missense variant is expected to disrupt CUL3 protein function with a positive predictive value of 95%. In summary, the available evidence is currently insufficient to determine the role of this variant in disease. Therefore, it has been classified as a Variant of Uncertain Significance.

NM_003590.5(CUL3):c.1400C>T (p.Thr467Met)

Gene: CUL3 (cullin 3; minus strand). Cytogenetic location: 2q36.2.
Variant type: single nucleotide variant.
Coding change: c.1400C>T on transcript NM_003590.5 (MANE Select); coding-DNA position 1400, C replaced by T.
Protein change: p.Thr467Met; replaces threonine 467 with methionine.
Molecular consequence: missense variant.
Genome position (GRCh38, 1-based): chr2:224,503,050, G>A on the plus strand (C>T on the coding strand, the complement: CUL3 is on the minus strand). VCF-style: chr2-224503050-G-A. GRCh37 (hg19) VCF-style: chr2-225367767-G-A.
Other names: c.1202C>T, p.Thr401Met (NM_001257197.2); c.1418C>T, p.Thr473Met (NM_001257198.2); short protein forms T467M, T473M, T401M.
Identifiers: ClinVar variation 4702160 (VCV004702160.1).